The following is an entry in ClinVar:

ClinVar aggregate classification (germline): Uncertain significance. Review status: criteria provided, multiple submitters, no conflicts (2 of 4 stars). 3 submissions from 3 submitters: Uncertain significance (3). Last evaluated 2024-05-22.

Conditions:
Familial Mediterranean fever, autosomal dominant. Also called: FMF, AUTOSOMAL DOMINANT; Dominant Familial Mediterranean Fever. Identifiers: Orphanet 342, MedGen C1851347, MONDO:0007601, OMIM 134610.
Acute febrile neutrophilic dermatosis (AFND). Also called: Sweet Syndrome; Gomm Button disease. Identifiers: Orphanet 3243, MedGen C0085077, MONDO:0011959, OMIM 608068.
Familial Mediterranean fever (FMF). Also called: POLYSEROSITIS, FAMILIAL PAROXYSMAL; POLYSEROSITIS, RECURRENT; Periodic peritonitis; Benign paroxysmal peritonitis. Identifiers: Orphanet 342, MedGen C0031069, MONDO:0018088, OMIM 249100. Disease mechanism: gain of function.

gnomAD v4.1: 34 of 1,614,222 alleles (0.0021%); highest among the groups gnomAD compares: East Asian, 0.0045%; no homozygotes.

Submissions (3):

ARUP Laboratories, Molecular Genetics and Genomics, ARUP Laboratories
Classification: Uncertain significance. Last evaluated: 2024-05-22. Review status: criteria provided, single submitter. Criteria: ARUP Molecular Germline Variant Investigation Process 2024. Collection method: clinical testing. Allele origin: germline.
Comment: The MEFV c.1322G>A; p.Arg441Gln variant (rs746577275), to our knowledge, is not reported in the medical literature or gene specific databases. This variant is only observed on two alleles in the Genome Aggregation Database (v2.1.1), indicating it is not a common polymorphism. Computational analyses are uncertain whether this variant is neutral or deleterious (REVEL: 0.155). Due to limited information, the clinical significance of this variant is uncertain at this time.

Fulgent Genetics
Classification: Uncertain significance for Familial Mediterranean fever, autosomal dominant; Familial Mediterranean fever; Acute febrile neutrophilic dermatosis. Last evaluated: 2023-12-28. Review status: criteria provided, single submitter. Criteria: ACMG Guidelines, 2015. Collection method: clinical testing. Allele origin: germline.

Department of Pathology and Laboratory Medicine, Sinai Health System
Classification: Uncertain significance for Familial Mediterranean fever, autosomal dominant; Familial Mediterranean fever; Acute febrile neutrophilic dermatosis. Last evaluated: 2022-04-22. Review status: criteria provided, single submitter. Criteria: ACMG Guidelines, 2015. Collection method: research. Allele origin: germline.

NM_000243.3(MEFV):c.1322G>A (p.Arg441Gln)

Gene: MEFV (MEFV innate immunity regulator, pyrin; minus strand). Cytogenetic location: 16p13.3.
Variant type: single nucleotide variant.
Coding change: c.1322G>A on transcript NM_000243.3 (MANE Select); coding-DNA position 1322, G replaced by A.
Protein change: p.Arg441Gln; replaces arginine 441 with glutamine.
Molecular consequence: missense variant.
Genome position (GRCh38, 1-based): chr16:3,248,943, C>T on the plus strand (G>A on the coding strand, the complement: MEFV is on the minus strand). VCF-style: chr16-3248943-C-T. GRCh37 (hg19) VCF-style: chr16-3298943-C-T.
Other names: c.689G>A, p.Arg230Gln (NM_001198536.2); short protein forms R441Q, R230Q.
Identifiers: ClinVar variation 3580399 (VCV003580399.3).